The following is an entry in ClinVar:

NM_139057.4(ADAMTS17):c.491A>G (p.Gln164Arg)

Gene: ADAMTS17 (ADAM metallopeptidase with thrombospondin type 1 motif 17; minus strand). Cytogenetic location: 15q26.3.
Variant type: single nucleotide variant.
Coding change: c.491A>G on transcript NM_139057.4 (MANE Select); coding-DNA position 491, A replaced by G.
Protein change: p.Gln164Arg; replaces glutamine 164 with arginine.
Molecular consequence: missense variant.
Genome position (GRCh38, 1-based): chr15:100,331,014, T>C on the plus strand (A>G on the coding strand, the complement: ADAMTS17 is on the minus strand). VCF-style: chr15-100331014-T-C. GRCh37 (hg19) VCF-style: chr15-100871219-T-C.
Other names: short protein forms Q164R.
Identifiers: ClinVar variation 1504910 (VCV001504910.8), dbSNP rs2141954677, ClinGen allele CA394521643.
Genomic context (GRCh38, chr15:100,331,014, plus strand): 5'-CATTTGCGCCTGATCAGATGTTCTCGTCCACTGAATGGGCCCTGGGAGTTGTTGAGGGGC[T>C]GGATTAGCACCTGCTCCTGCCCAAGCTGAATGAGGCCAACCTGTCCAGAAAGGAGAAGGA-3'
Protein context (NP_620688.2, residues 154-174): IQLGQEQVLI[Gln164Arg]PLNNSQGPFS

ClinVar aggregate classification (germline): Uncertain significance (1 of 4 stars; one submission).

Submission:

Labcorp Genetics (formerly Invitae), Labcorp
Classification: Uncertain significance. Last evaluated: 2021-06-19. Review status: criteria provided, single submitter. Criteria: Invitae Variant Classification Sherloc (09022015). Collection method: clinical testing. Allele origin: germline.
Comment: This sequence change replaces glutamine with arginine at codon 164 of the ADAMTS17 protein (p.Gln164Arg). The glutamine residue is moderately conserved and there is a small physicochemical difference between glutamine and arginine. This variant is not present in population databases (ExAC no frequency). This variant has not been reported in the literature in individuals with ADAMTS17-related conditions. Algorithms developed to predict the effect of missense changes on protein structure and function are either unavailable or do not agree on the potential impact of this missense change (SIFT: "Not Available"; PolyPhen-2: "Benign"; Align-GVGD: "Not Available"). In summary, the available evidence is currently insufficient to determine the role of this variant in disease. Therefore, it has been classified as a Variant of Uncertain Significance.